The following is an entry in ClinVar:

NM_002691.4(POLD1):c.133G>A (p.Glu45Lys)

Gene: POLD1 (DNA polymerase delta 1, catalytic subunit; plus strand). Cytogenetic location: 19q13.33.
Variant type: single nucleotide variant.
Coding change: c.133G>A on transcript NM_002691.4 (MANE Select); coding-DNA position 133, G replaced by A.
Protein change: p.Glu45Lys; replaces glutamic acid 45 with lysine.
Molecular consequence: missense variant. On other transcripts: non-coding transcript variant (1).
Genome position (GRCh38, 1-based): chr19:50,398,984, G>A. VCF-style: chr19-50398984-G-A. GRCh37 (hg19) VCF-style: chr19-50902241-G-A.
Other names: c.133G>A (NM_002691.2); c.133G>A, p.Glu45Lys (NM_001256849.1, NM_001308632.1); short protein forms E45K.
Identifiers: ClinVar variation 1362889 (VCV001362889.9), dbSNP rs2122196504, ClinGen allele CA406970212.

ClinVar aggregate classification (germline): Uncertain significance. Review status: criteria provided, multiple submitters, no conflicts (2 of 4 stars). 2 submissions from 2 submitters: Uncertain significance (2). Last evaluated 2023-03-17.

Conditions:
POLD1-related polyposis and colorectal cancer syndrome (CRCS10). Also called: Colorectal cancer, susceptibility to, 10; Colorectal cancer 10; COLORECTAL CANCER, SUSCEPTIBILITY TO, ON CHROMOSOME 19q. Identifiers: Orphanet 220460, MedGen C2675481, MONDO:0012953, OMIM 612591.
Hereditary cancer-predisposing syndrome. Also called: Tumor predisposition; Hereditary Cancer Syndrome; Hereditary neoplastic syndrome; Neoplastic Syndromes, Hereditary. Identifiers: Orphanet 140162, MedGen C0027672, MeSH D009386, MONDO:0015356.

Submissions (2):

Ambry Genetics
Classification: Uncertain significance for Hereditary cancer-predisposing syndrome. Last evaluated: 2023-03-17. Review status: criteria provided, single submitter. Criteria: Ambry Variant Classification Scheme 2023. Collection method: clinical testing. Allele origin: germline.
Comment: The p.E45K variant (also known as c.133G>A), located in coding exon 1 of the POLD1 gene, results from a G to A substitution at nucleotide position 133. The glutamic acid at codon 45 is replaced by lysine, an amino acid with similar properties. This amino acid position is conserved. In addition, this alteration is predicted to be tolerated by in silico analysis. Since supporting evidence is limited at this time, the clinical significance of this alteration remains unclear.

Labcorp Genetics (formerly Invitae), Labcorp
Classification: Uncertain significance for POLD1-related polyposis and colorectal cancer syndrome. Last evaluated: 2021-06-21. Review status: criteria provided, single submitter. Criteria: Invitae Variant Classification Sherloc (09022015). Collection method: clinical testing. Allele origin: germline.
Comment: This variant is not present in population databases (ExAC no frequency). This sequence change replaces glutamic acid with lysine at codon 45 of the POLD1 protein (p.Glu45Lys). The glutamic acid residue is weakly conserved and there is a small physicochemical difference between glutamic acid and lysine. In summary, the available evidence is currently insufficient to determine the role of this variant in disease. Therefore, it has been classified as a Variant of Uncertain Significance. Algorithms developed to predict the effect of missense changes on protein structure and function are either unavailable or do not agree on the potential impact of this missense change (SIFT: "Deleterious"; PolyPhen-2: "Probably Damaging"; Align-GVGD: "Class C0"). This variant has not been reported in the literature in individuals with POLD1-related conditions.